The following is an entry in ClinVar:

ClinVar aggregate classification (germline): Uncertain significance. Review status: criteria provided, multiple submitters, no conflicts (2 of 4 stars). 4 submissions from 4 submitters: Uncertain significance (3). 1 of the submissions does not count toward it. Last evaluated 2025-12-16.

Conditions:
Inborn genetic diseases. Identifiers: MedGen C0950123, MeSH D030342.
IDUA-related disorder. Also called: IDUA-related condition.
Mucopolysaccharidosis type 1. Also called: IDUA deficiency; MPS I; Mucopolysaccharidosis Type I. Identifiers: Orphanet 579, MedGen C0023786, MONDO:0001586.

gnomAD v4.1: 1 of 1,453,266 alleles (0.000069%); no homozygotes.

Submissions (4):

Labcorp Genetics (formerly Invitae), Labcorp
Classification: Uncertain significance for Mucopolysaccharidosis type 1. Last evaluated: 2025-12-16. Review status: criteria provided, single submitter. Criteria: Invitae Variant Classification Sherloc (09022015). Collection method: clinical testing. Allele origin: germline.
Comment: This sequence change replaces arginine, which is basic and polar, with cysteine, which is neutral and slightly polar, at codon 435 of the IDUA protein (p.Arg435Cys). This variant is not present in population databases (gnomAD no frequency). This variant has not been reported in the literature in individuals affected with IDUA-related conditions. ClinVar contains an entry for this variant (Variation ID: 1986201). Invitae Evidence Modeling of protein sequence and biophysical properties (such as structural, functional, and spatial information, amino acid conservation, physicochemical variation, residue mobility, and thermodynamic stability) has been performed for this missense variant. However, the output from this modeling did not meet the statistical confidence thresholds required to predict the impact of this variant on IDUA protein function. In summary, the available evidence is currently insufficient to determine the role of this variant in disease. Therefore, it has been classified as a Variant of Uncertain Significance.

Ambry Genetics
Classification: Uncertain significance for Inborn genetic diseases. Last evaluated: 2021-07-09. Review status: criteria provided, single submitter. Criteria: Ambry Variant Classification Scheme 2023. Collection method: clinical testing. Allele origin: germline.

Revvity Omics, Revvity
Classification: Uncertain significance. Last evaluated: 2020-06-09. Review status: criteria provided, single submitter. Criteria: ACMG Guidelines, 2015. Collection method: clinical testing. Allele origin: germline.

PreventionGenetics, part of Exact Sciences
Classification: Uncertain significance for IDUA-related condition. Last evaluated: 2024-04-03. Review status: no assertion criteria provided. Collection method: clinical testing. Allele origin: germline. Not counted in ClinVar's aggregate classification.
Comment: The IDUA c.1303C>T variant is predicted to result in the amino acid substitution p.Arg435Cys. To our knowledge, this variant has not been reported in the literature or in a large population database, indicating this variant is rare. At this time, the clinical significance of this variant is uncertain due to the absence of conclusive functional and genetic evidence.

NM_000203.5(IDUA):c.1303C>T (p.Arg435Cys)

Gene: IDUA (alpha-L-iduronidase; plus strand). Cytogenetic location: 4p16.3.
Variant type: single nucleotide variant.
Coding change: c.1303C>T on transcript NM_000203.5 (MANE Select); coding-DNA position 1303, C replaced by T.
Protein change: p.Arg435Cys; replaces arginine 435 with cysteine.
Molecular consequence: missense variant. On other transcripts: non-coding transcript variant (1).
Genome position (GRCh38, 1-based): chr4:1,002,845, C>T. VCF-style: chr4-1002845-C-T. GRCh37 (hg19) VCF-style: chr4-996633-C-T.
Other names: c.907C>T, p.Arg303Cys (NM_001363576.1); c.1303C>T (NM_000203.4); short protein forms R303C, R435C.
Identifiers: ClinVar variation 1986201 (VCV001986201.9), dbSNP rs1188900288, ClinGen allele CA355963890.